The following is an entry in ClinVar:

NM_000216.4(ANOS1):c.723C>A (p.Ala241=)

Gene: ANOS1 (anosmin 1; minus strand). Cytogenetic location: Xp22.31.
Variant type: single nucleotide variant.
Coding change: c.723C>A on transcript NM_000216.4 (MANE Select); coding-DNA position 723, C replaced by A.
Protein change: p.Ala241=; no amino-acid change (alanine 241 retained).
Molecular consequence: synonymous variant.
Genome position (GRCh38, 1-based): chrX:8,587,797, G>T on the plus strand (C>A on the coding strand, the complement: ANOS1 is on the minus strand). VCF-style: chrX-8587797-G-T. GRCh37 (hg19) VCF-style: chrX-8555838-G-T.
Other names: c.723C>A (NM_000216.3).
Identifiers: ClinVar variation 1695281 (VCV001695281.37), dbSNP rs756066919, ClinGen allele CA10343763.

ClinVar aggregate classification (germline): Benign/Likely benign. Review status: criteria provided, multiple submitters, no conflicts (2 of 4 stars). 5 submissions from 5 submitters: Benign (1); Likely benign (3). 1 of the submissions does not count toward it. Last evaluated 2024-11-21.

Conditions:
ANOS1-related disorder. Also called: ANOS1-related condition.
Hypogonadotropic hypogonadism 1 with or without anosmia (HH1). Also called: Hypogonadotropic hypogonadism 1 with or without anosmia (Kallmann syndrome 1); HYPOGONADOTROPIC HYPOGONADISM AND ANOSMIA; DYSPLASIA OLFACTOGENITALIS OF DE MORSIER; KAL1-Related GnRH Deficiency (Kallmann Syndrome 1; Kallmann Syndrome, X-Linked); HYPOGONADOTROPIC HYPOGONADISM 1 WITH ANOSMIA; Kallmann syndrome, type 1, X-linked. Identifiers: Orphanet 478, MedGen C1563719, MONDO:0010635, OMIM 308700. Disease mechanism: loss of function.

Allele frequency attached by ClinVar (database versions not stated): TOPMed 0.00003; gnomAD 0.00004; ExAC 0.00010.
gnomAD v4.1: 59 of 1,195,248 alleles (0.0049%); highest among the groups gnomAD compares: Non-Finnish European, 0.0064%; no homozygotes.

Submissions (5):

Blueprint Genetics
Classification: Likely benign. Last evaluated: 2024-11-21. Review status: criteria provided, single submitter. Criteria: ACMG Guidelines, 2015. Collection method: clinical testing. Allele origin: germline.

Labcorp Genetics (formerly Invitae), Labcorp
Classification: Benign for Hypogonadotropic hypogonadism 1 with or without anosmia. Last evaluated: 2024-09-08. Review status: criteria provided, single submitter. Criteria: Invitae Variant Classification Sherloc (09022015). Collection method: clinical testing. Allele origin: germline.

CeGaT Center for Human Genetics Tuebingen
Classification: Likely benign. Last evaluated: 2022-06-01. Review status: criteria provided, single submitter. Criteria: CeGaT Center For Human Genetics Tuebingen Variant Classification Criteria Version 2. Collection method: clinical testing. Allele origin: germline. Affected: yes. Observed: 1 variant allele.
Comment: ANOS1: BP4, BP7

Fulgent Genetics
Classification: Likely benign for Hypogonadotropic hypogonadism 1 with or without anosmia. Last evaluated: 2022-05-12. Review status: criteria provided, single submitter. Criteria: ACMG Guidelines, 2015. Collection method: clinical testing. Allele origin: unknown.

PreventionGenetics, part of Exact Sciences
Classification: Likely benign for ANOS1-related condition. Last evaluated: 2022-04-20. Review status: no assertion criteria provided. Collection method: clinical testing. Allele origin: germline. Not counted in ClinVar's aggregate classification.
Comment: This variant is classified as likely benign based on ACMG/AMP sequence variant interpretation guidelines (Richards et al. 2015 PMID: 25741868, with internal and published modifications).